The following is an entry in ClinVar:

NM_001849.4(COL6A2):c.1572+1G>A

Gene: COL6A2 (collagen type VI alpha 2 chain; plus strand). Cytogenetic location: 21q22.3.
Variant type: single nucleotide variant.
Coding change: c.1572+1G>A on transcript NM_001849.4 (MANE Select); the canonical splice donor site of the intron after coding-DNA position 1572, G replaced by A.
Molecular consequence: splice donor variant.
Genome position (GRCh38, 1-based): chr21:46,122,159, G>A. VCF-style: chr21-46122159-G-A. GRCh37 (hg19) VCF-style: chr21-47542073-G-A.
Other names: c.1572+1G>A (NM_058175.3, NM_058174.3).
Identifiers: ClinVar variation 379733 (VCV000379733.14), dbSNP rs1057520717, ClinGen allele CA16608565.

ClinVar aggregate classification (germline): Pathogenic/Likely pathogenic. Review status: criteria provided, multiple submitters, no conflicts (2 of 4 stars). 6 submissions from 6 submitters: Pathogenic (4); Likely pathogenic (2). Last evaluated 2026-08-06.

Conditions:
Bethlem myopathy 1A. Also called: Bethlem Muscular Dystrophy; Bethlem myopathy 1; MYOPATHY, BENIGN CONGENITAL, WITH CONTRACTURES. Identifiers: Orphanet 610, MedGen CN029274, MONDO:0024530, OMIM 158810.
Myosclerosis. Also called: Myosclerosis, congenital; MYOPATHY, MYOSCLEROTIC; MYOSCLEROSIS, CONGENITAL, OF LOWENTHAL. Identifiers: Orphanet 289380, MedGen C1850671, MONDO:0009714, OMIM 255600.
Bethlem myopathy 1B (BTHLM1B). Identifiers: MedGen C5935580, MONDO:0958233, OMIM 620725.
Ullrich congenital muscular dystrophy 1B (UCMD1B). Identifiers: MedGen C5935582, MONDO:0958235, OMIM 620727.

Allele frequency attached by ClinVar (database versions not stated): TOPMed below 0.00001.

Submissions (6):

OLLIN Analises Genomicas, OLLIN
Classification: Pathogenic for Myosclerosis. Last evaluated: 2026-08-06. Review status: criteria provided, single submitter. Criteria: ACMG Guidelines 2015 PMID 25741868. Collection method: clinical testing. Allele origin: germline. Inheritance: Autosomal recessive inheritance.
Comment: This variant, located at the canonical splicing site (splice donor), is absent from gnomAD but has been reported in ClinVar (accession VCV000379733.13) and in the scientific literature, segregating with the phenotype, in individuals with COL6A2 related disorders (PMID: 39000354). This variant is predicted to disrupt a canonical splice site, potentially leading to exon skipping, mRNA degradation via nonsense-mediated decay (NMD), or production of a truncated protein. According to the currently available evidence, this variant has been classified as pathogenic (PVS1, PM2_P, PP1).

Labcorp Genetics (formerly Invitae), Labcorp
Classification: Pathogenic for Bethlem myopathy 1A. Last evaluated: 2023-07-18. Review status: criteria provided, single submitter. Criteria: Invitae Variant Classification Sherloc (09022015). Collection method: clinical testing. Allele origin: germline.
Comment: This sequence change affects a donor splice site in intron 19 of the COL6A2 gene. It is expected to disrupt RNA splicing. Variants that disrupt the donor or acceptor splice site typically lead to a loss of protein function (PMID: 16199547), and loss-of-function variants in COL6A2 are known to be pathogenic (PMID: 19884007, 20976770). This variant is not present in population databases (gnomAD no frequency). Disruption of this splice site has been observed in individuals with autosomal recessive COL6A2-related conditions (PMID: 17785673; Invitae). ClinVar contains an entry for this variant (Variation ID: 379733). Algorithms developed to predict the effect of sequence changes on RNA splicing suggest that this variant may disrupt the consensus splice site. For these reasons, this variant has been classified as Pathogenic.

Kariminejad - Najmabadi Pathology & Genetics Center
Classification: Likely pathogenic for Myosclerosis; Bethlem myopathy 1B; Ullrich congenital muscular dystrophy 1B. Last evaluated: 2021-04-17. Review status: criteria provided, single submitter. Criteria: ACMG Guidelines, 2015. Collection method: clinical testing. Allele origin: germline. Inheritance: Autosomal recessive inheritance. Affected: yes.
Comment: PVS1 strong PM2 PP3 PP5

Revvity Omics, Revvity
Classification: Likely pathogenic. Last evaluated: 2021-03-18. Review status: criteria provided, single submitter. Criteria: ACMG Guidelines, 2015. Collection method: clinical testing. Allele origin: germline.

GeneDx
Classification: Pathogenic. Last evaluated: 2015-05-11. Review status: criteria provided, single submitter. Criteria: GeneDx Variant Classification (06012015). Collection method: clinical testing. Allele origin: germline. Affected: yes.
Comment: The c.1572+1 G>A splice site variant in the COL6A2 gene destroys the canonical splice donor site inintron 19. It is predicted to cause abnormal gene splicing, either leading to an abnormal message that issubject to nonsense-mediated mRNA decay, or to an abnormal protein product if the message is used forprotein translation. It was not observed in approximately 6,500 individuals of European and AfricanAmerican ancestry in the NHLBI Exome Sequencing Project, indicating it is not a common benign variantin these populations. Additionally, another splicing variant affecting the same canonical donor site inintron 19 (c.1572+1 G>C) has been published in association with a COL6A2-related disorder (Okada et al.,2007). Although c.1572+1 G>A has not been previously reported to our knowledge, it is expected to be apathogenic variant.

Neuberg Centre For Genomic Medicine, NCGM
Classification: Pathogenic for Bethlem myopathy 1A. Review status: criteria provided, single submitter. Criteria: ACMG Guidelines, 2015. Collection method: clinical testing. Allele origin: germline. Inheritance: Autosomal recessive inheritance. Affected: yes.
Comment: The splice donor COL6A2 (c.1572+1G>A) variant has been reported individuals affected with Bethlem myopathy 1 (Foley et. al., 2009). The c.1572+1G>A variant is novel (not in any individuals) in gnomAD Exomes and 1000 Genomes. This variant has been reported to the ClinVar database as Pathogenic. Variants that disrupt the donor or acceptor splice site typically lead to a loss of protein function (Baralle et. al., 2005), and loss-of-function variants in COL6A2 are known to be pathogenic (Foley et. al., 2009). For these reasons, this variant has been classified as Pathogenic

Literature cited by the submitters: PubMed 39000354 (cited by OLLIN Analises Genomicas, OLLIN); PubMed 16199547 (cited by Labcorp Genetics (formerly Invitae), Labcorp); PubMed 19884007 (cited by Labcorp Genetics (formerly Invitae), Labcorp); PubMed 20976770 (cited by Labcorp Genetics (formerly Invitae), Labcorp); PubMed 17785673 (cited by Labcorp Genetics (formerly Invitae), Labcorp).